The following is an entry in ClinVar:

NM_000548.5(TSC2):c.147C>T (p.Ser49=)

Gene: TSC2 (TSC complex subunit 2; plus strand). Cytogenetic location: 16p13.3.
Variant type: single nucleotide variant.
Coding change: c.147C>T on transcript NM_000548.5 (MANE Select); coding-DNA position 147, C replaced by T.
Protein change: p.Ser49=; no amino-acid change (serine 49 retained).
Molecular consequence: synonymous variant. On other transcripts: 5 prime UTR variant (25), non-coding transcript variant (5).
Genome position (GRCh38, 1-based): chr16:2,050,408, C>T. VCF-style: chr16-2050408-C-T. GRCh37 (hg19) VCF-style: chr16-2100409-C-T.
Other names: c.147C>T, p.Ser49= (NM_001077183.3, NM_001114382.3, NM_001318827.2 and 13 more transcripts); c.-1C>T (NM_001318829.2, NM_001406675.1, NM_001406676.1 and 2 more transcripts); c.-80C>T (NM_001318831.2, NM_001406682.1, NM_001406684.1 and 3 more transcripts); c.180C>T, p.Ser60= (NM_001318832.2); c.-670C>T (NM_001406680.1, NM_001406683.1, NM_001406687.1); c.-299C>T (NM_001406681.1); c.-1285C>T (NM_001406689.1, NM_001406690.1, NM_001406691.1 and 2 more transcripts); c.-1591C>T (NM_001406693.1); and 3 more.
Identifiers: ClinVar variation 467875 (VCV000467875.13), dbSNP rs1555495692, ClinGen allele CA492954855.

ClinVar aggregate classification (germline): Conflicting classifications of pathogenicity. Review status: criteria provided, conflicting classifications (1 of 4 stars). 4 submissions from 4 submitters: Uncertain significance (1); Benign (1); Likely benign (2). Last evaluated 2025-10-06.

Conditions:
Tuberous sclerosis 2 (TSC2). Identifiers: Orphanet 805, MedGen C1860707, MONDO:0013199, OMIM 613254.
Hereditary cancer-predisposing syndrome. Also called: Hereditary neoplastic syndrome; Neoplastic Syndromes, Hereditary; Tumor predisposition; Hereditary Cancer Syndrome. Identifiers: Orphanet 140162, MedGen C0027672, MeSH D009386, MONDO:0015356.

Submissions (4):

Labcorp Genetics (formerly Invitae), Labcorp
Classification: Likely benign for Tuberous sclerosis 2. Last evaluated: 2025-10-06. Review status: criteria provided, single submitter. Criteria: Invitae Variant Classification Sherloc (09022015). Collection method: clinical testing. Allele origin: germline.

Myriad Genetics, Inc.
Classification: Benign for Tuberous sclerosis 2. Last evaluated: 2025-04-30. Review status: criteria provided, single submitter. Criteria: Myriad Autosomal Dominant, Autosomal Recessive and X-Linked Classification Criteria (2023). Collection method: clinical testing. Allele origin: unknown.
Comment: This variant is considered benign. This variant is a silent/synonymous amino acid change and it is not expected to impact splicing.

Ambry Genetics
Classification: Likely benign for Hereditary cancer-predisposing syndrome. Last evaluated: 2024-04-09. Review status: criteria provided, single submitter. Criteria: Ambry Variant Classification Scheme 2023. Collection method: clinical testing. Allele origin: germline.

Sema4
Classification: Uncertain significance for Hereditary cancer-predisposing syndrome. Last evaluated: 2022-01-01. Review status: criteria provided, single submitter. Criteria: Sema4 Curation Guidelines. Collection method: curation. Allele origin: germline.
Comment: The TSC2 c.147C>T (p.S49=) variant has not been reported in the literature to our knowledge. It was not observed in the large and broad cohorts of the Genome Aggregation Database. The variant has been reported in ClinVar (Variation ID 467875). In silico tools suggest that the variant may create or strengthen a cryptic splice site, though these predictions have not been confirmed by functional studies. The evidence is insufficient to meet ACMG/AMP criteria for classifying the variant as benign or pathogenic. Thus, the clinical significance of this variant is currently uncertain.